The following is an entry in ClinVar:

NM_058195.4(CDKN2A):c.117G>T (p.Ala39=)

Gene: CDKN2A (cyclin dependent kinase inhibitor 2A; minus strand). Cytogenetic location: 9p21.3.
Variant type: single nucleotide variant.
Coding change: c.117G>T on transcript NM_058195.4 (MANE Plus Clinical); coding-DNA position 117, G replaced by T.
Protein change: p.Ala39=; no amino-acid change (alanine 39 retained).
Molecular consequence: synonymous variant. On other transcripts: intron variant (1).
Genome position (GRCh38, 1-based): chr9:21,994,215, C>A on the plus strand (G>T on the coding strand, the complement: CDKN2A is on the minus strand). VCF-style: chr9-21994215-C-A. GRCh37 (hg19) VCF-style: chr9-21994214-C-A.
Other names: c.-4+606G>T (NM_001363763.2).
Identifiers: ClinVar variation 3489652 (VCV003489652.2).

ClinVar aggregate classification (germline): Benign/Likely benign. Review status: criteria provided, multiple submitters, no conflicts (2 of 4 stars). 2 submissions from 2 submitters: Benign (1); Likely benign (1). Last evaluated 2025-08-12.

Conditions:
Melanoma-pancreatic cancer syndrome. Identifiers: Orphanet 404560, MedGen C1838547, MONDO:0011713, OMIM 606719. Disease mechanism: loss of function.
Hereditary cancer-predisposing syndrome. Also called: Tumor predisposition; Hereditary Cancer Syndrome; Neoplastic Syndromes, Hereditary; Hereditary neoplastic syndrome. Identifiers: Orphanet 140162, MedGen C0027672, MeSH D009386, MONDO:0015356.

Submissions (2):

Myriad Genetics, Inc.
Classification: Benign for Melanoma-pancreatic cancer syndrome. Last evaluated: 2025-08-12. Review status: criteria provided, single submitter. Criteria: Myriad Autosomal Dominant, Autosomal Recessive and X-Linked Classification Criteria (2023). Collection method: clinical testing. Allele origin: unknown.
Comment: This variant is considered benign. This variant is a silent/synonymous amino acid change and it is not expected to impact splicing.

Ambry Genetics
Classification: Likely benign for Hereditary cancer-predisposing syndrome. Last evaluated: 2024-09-25. Review status: criteria provided, single submitter. Criteria: Ambry Variant Classification Scheme 2023. Collection method: clinical testing. Allele origin: germline.